The following continues an entry in ClinVar:

NM_001005361.3(DNM2):c.1393C>T (p.Arg465Trp)

Gene: DNM2. ClinVar aggregate classification (germline): Pathogenic. Pathogenic (1).

Submissions 14 to 20 of 20:

Genetic Services Laboratory, University of Chicago
Classification: Pathogenic for Myopathy, centronuclear. Last evaluated: 2013-02-08. Review status: criteria provided, single submitter. Criteria: ACMG Guidelines, 2007. Collection method: clinical testing. Allele origin: germline. Inheritance: Autosomal dominant inheritance. Affected: yes. Not counted in ClinVar's aggregate classification.

PreventionGenetics, part of Exact Sciences
Classification: Pathogenic for DNM2-related condition. Last evaluated: 2024-06-19. Review status: no assertion criteria provided. Collection method: clinical testing. Allele origin: germline. Not counted in ClinVar's aggregate classification.
Comment: The DNM2 c.1393C>T variant is predicted to result in the amino acid substitution p.Arg465Trp. This is one of the most common variants reported to be causative for autosomal dominant centronuclear myopathy (see, for example, Bitoun et al 2005. PubMed ID: 16227997; Cowling et al 2011. PubMed ID: 21514436; Koutsopoulos et al 2011. PubMed ID: 22096584). This variant has not been reported in a large population database, indicating this variant is rare. This variant is interpreted as pathogenic.

Inherited Neuropathy Consortium Ii, University Of Miami
Classification: Uncertain significance for Charcot-Marie-Tooth disease dominant intermediate B. Last evaluated: 2016-01-06. Review status: no assertion criteria provided. Collection method: literature only. Allele origin: germline. Affected: yes. Not counted in ClinVar's aggregate classification.

OMIM
Classification: Pathogenic for MYOPATHY, CENTRONUCLEAR, 1. Last evaluated: 2005-11-01. Review status: no assertion criteria provided. Collection method: literature only. Allele origin: germline. Not counted in ClinVar's aggregate classification.

Genome Diagnostics Laboratory, University Medical Center Utrecht
Classification: Pathogenic. Review status: no assertion criteria provided. Collection method: clinical testing. Allele origin: germline. Affected: yes. Study: VKGL Data-share Consensus. Not counted in ClinVar's aggregate classification.

Joint Genome Diagnostic Labs from Nijmegen and Maastricht, Radboudumc and MUMC+
Classification: Pathogenic. Review status: no assertion criteria provided. Collection method: clinical testing. Allele origin: germline. Affected: yes. Study: VKGL Data-share Consensus. Not counted in ClinVar's aggregate classification.

Laboratory of Diagnostic Genome Analysis, Leiden University Medical Center (LUMC)
Classification: Likely pathogenic. Review status: no assertion criteria provided. Collection method: clinical testing. Allele origin: germline. Affected: yes. Study: VKGL Data-share Consensus. Not counted in ClinVar's aggregate classification.

Literature cited by the submitters: PubMed 16227997 (cited by 5 submitters); PubMed 22396310 (cited by 3 submitters); PubMed 20858595 (cited by 4 submitters); PubMed 22096584 (cited by Labcorp Genetics (formerly Invitae), Labcorp and Centre of Medical Genetics, University Hospital Muenster); PubMed 22369075 (cited by Labcorp Genetics (formerly Invitae), Labcorp); PubMed 27343996 (cited by Labcorp Genetics (formerly Invitae), Labcorp); PubMed 23394783 (cited by Molecular Genetics, Royal Melbourne Hospital and Mayo Clinic Laboratories, Mayo Clinic); PubMed 26908122 (cited by Molecular Genetics, Royal Melbourne Hospital); PubMed 34837441 (cited by Molecular Genetics, Royal Melbourne Hospital); PubMed 21514436 (cited by Mayo Clinic Laboratories, Mayo Clinic); PubMed 31017801 (cited by Mayo Clinic Laboratories, Mayo Clinic); PubMed 32315611 (cited by Mayo Clinic Laboratories, Mayo Clinic); PubMed 34463354 (cited by Mayo Clinic Laboratories, Mayo Clinic); PubMed 34595679 (cited by Mayo Clinic Laboratories, Mayo Clinic); PubMed 36324371 (cited by Mayo Clinic Laboratories, Mayo Clinic); PubMed 2734399 (cited by Centre of Medical Genetics, University Hospital Muenster); PubMed 26633545 (cited by Baylor Genetics); PubMed 20529869 (cited by Baylor Genetics).